The following is an entry in ClinVar:

NM_003482.4(KMT2D):c.12116dup (p.Pro4041fs)

Gene: KMT2D (lysine methyltransferase 2D; minus strand). Cytogenetic location: 12q13.12.
Variant type: Duplication.
Coding change: c.12116dup on transcript NM_003482.4 (MANE Select); coding-DNA position 12116, one base duplicated (A; older notation c.12116dupA).
Protein change: p.Pro4041fs; shifts the reading frame from proline 4041.
Molecular consequence: frameshift variant.
Genome position (GRCh38, 1-based): chr12:49,032,589, T duplicated on the plus strand (A on the coding strand, the reverse complement: KMT2D is on the minus strand). VCF-style (leftmost placement, unchanged base first): chr12-49032588-C-CT. GRCh37 (hg19) VCF-style: chr12-49426371-C-CT.
Other names: short protein forms P4041fs.
Identifiers: ClinVar variation 4294535 (VCV004294535.1).

ClinVar aggregate classification (germline): Likely pathogenic (1 of 4 stars; one submission).

Conditions:
Choanal atresia-athelia-hypothyroidism-delayed puberty-short stature syndrome (BCAHH). Also called: BRANCHIAL ARCH ABNORMALITIES, CHOANAL ATRESIA, ATHELIA, HEARING LOSS, AND HYPOTHYROIDISM SYNDROME. Identifiers: Orphanet 589856, MedGen C5680310, MONDO:0035651, OMIM 620186.
Kabuki syndrome 1 (KABUK1). Also called: KMT2D-Related Kabuki Syndrome. Identifiers: Orphanet 2322, MedGen CN030661, MONDO:0007843, OMIM 147920.

Submission:

Molecular Genetics Department, Kulakov National Medical Research Center for Obstetrics, Gynecology and Perinatology
Classification: Likely pathogenic for Kabuki syndrome 1; Choanal atresia-athelia-hypothyroidism-delayed puberty-short stature syndrome. Review status: criteria provided, single submitter. Criteria: ACMG Guidelines, 2015. Collection method: clinical testing. Allele origin: germline. Affected: yes. Observed: 1 variant allele.
Comment: A previously undescribed heterozygous nucleotide variant creates a frameshift p.Pro4041AlafsTer16 in the KMT2D gene. Heterozygous variants are reported in patients with branchial arch abnormalities, choanal atresia, athelia, hearing loss, and hypothyroidism syndrome, 620186; Kabuki syndrome 1, 147920. The variant is not present in population database (gnomAD no frequency). In summary, the currently available evidence indicates that the variant is pathogenic, but additional data are needed to prove that conclusively. Therefore, this variant has been classified as likely pathogenic.